The following is an entry in ClinVar:

ClinVar aggregate classification (germline): Pathogenic (1 of 4 stars; one submission).

Conditions:
Granulomatous disease, chronic, autosomal recessive, cytochrome b-positive, type 3. Also called: CGD, AUTOSOMAL RECESSIVE CYTOCHROME b-POSITIVE, TYPE III; GRANULOMATOUS DISEASE, CHRONIC, DUE TO NCF4 DEFICIENCY; GRANULOMATOUS DISEASE, CHRONIC, AUTOSOMAL RECESSIVE, 3; Granulomatous disease, chronic, autosomal recessive, cytochrome b-positive, type III. Identifiers: Orphanet 379, MedGen C3151409, MONDO:0013507, OMIM 613960.

Submission:

Labcorp Genetics (formerly Invitae), Labcorp
Classification: Pathogenic for Granulomatous disease, chronic, autosomal recessive, cytochrome b-positive, type 3. Last evaluated: 2022-01-16. Review status: criteria provided, single submitter. Criteria: Invitae Variant Classification Sherloc (09022015). Collection method: clinical testing. Allele origin: germline.
Comment: This sequence change creates a premature translational stop signal (p.Pro263Thrfs*62) in the NCF4 gene. It is expected to result in an absent or disrupted protein product. Loss-of-function variants in NCF4 are known to be pathogenic (PMID: 16880254, 19692703, 20167518). This variant is not present in population databases (gnomAD no frequency). This variant has not been reported in the literature in individuals affected with NCF4-related conditions. For these reasons, this variant has been classified as Pathogenic.

Literature cited by the submitters: PubMed 16880254; PubMed 19692703; PubMed 20167518.

NM_000631.5(NCF4):c.758+28_758+29insA

Gene: NCF4 (neutrophil cytosolic factor 4; plus strand). Cytogenetic location: 22q12.3.
Variant type: Insertion.
Coding change: c.758+28_758+29insA on transcript NM_000631.5 (MANE Select); bases 28 to 29 of the intron after coding-DNA position 758, A inserted.
Molecular consequence: intron variant. On other transcripts: frameshift variant (1).
Genome position: GRCh38 VCF-style: chr22-36875811-T-TA. GRCh37 (hg19) VCF-style: chr22-37271853-T-TA.
Other names: c.786_787insA, p.Pro263fs (NM_013416.4); short protein forms P263fs.
Identifiers: ClinVar variation 2085367 (VCV002085367.4), dbSNP rs2517929064, ClinGen allele CA2580099733.